The following is an entry in ClinVar:

NM_002137.4(HNRNPA2B1):c.476-3C>T

Gene: HNRNPA2B1 (heterogeneous nuclear ribonucleoprotein A2/B1; minus strand). Cytogenetic location: 7p15.2.
Variant type: single nucleotide variant.
Coding change: c.476-3C>T on transcript NM_002137.4 (MANE Select); 3 bases into the intron before coding-DNA position 476, C replaced by T.
Molecular consequence: intron variant.
Genome position (GRCh38, 1-based): chr7:26,196,661, G>A on the plus strand (C>T on the coding strand, the complement: HNRNPA2B1 is on the minus strand). VCF-style: chr7-26196661-G-A. GRCh37 (hg19) VCF-style: chr7-26236281-G-A.
Other names: c.476-3C>T (NM_001438578.1, NM_001438576.1, NM_001438575.1 and 4 more transcripts); c.512-3C>T (NM_001438574.1, NM_001438573.1, NM_001438568.1 and 3 more transcripts).
Identifiers: ClinVar variation 659107 (VCV000659107.9), dbSNP rs370807816, ClinGen allele CA4194618.
Genomic context (GRCh38, chr7:26,196,661, plus strand): 5'-CTAGACAAAGCCTTTCTTACTTCTGCATTATGACCATTGATGGTATGGTATTTCTGCACT[G>A]GAATGAAAAATTCAGACTCCTTTTAAATTAAATCAACAATATTAAGCAGCTTCAAAAGTT-3'

ClinVar aggregate classification (germline): Uncertain significance (1 of 4 stars; one submission).

Conditions:
Inclusion body myopathy with early-onset Paget disease with or without frontotemporal dementia 2 (IBMPFD2). Also called: MULTISYSTEM PROTEINOPATHY 2. Identifiers: MedGen C3809468, MONDO:0014178, OMIM 615422.

Allele frequency attached by ClinVar (database versions not stated): TOPMed 0.00001; ExAC 0.00002; gnomAD 0.00003; ESP Exome Variant Server 0.00008; gnomAD exomes below 0.00001 and 0.00001.
gnomAD v4.1: 4 of 1,609,686 alleles (0.00025%); highest among the groups gnomAD compares: South Asian, 0.0033%; no homozygotes.

Submissions (2):

Labcorp Genetics (formerly Invitae), Labcorp
Classification: Uncertain significance for Inclusion body myopathy with early-onset Paget disease with or without frontotemporal dementia 2. Last evaluated: 2018-08-20. Review status: criteria provided, single submitter. Criteria: Invitae Variant Classification Sherloc (09022015). Collection method: clinical testing. Allele origin: germline.
Comment: This sequence change falls in intron 5 of the HNRNPA2B1 gene. It does not directly change the encoded amino acid sequence of the HNRNPA2B1 protein, but it affects a nucleotide within the consensus splice site of the intron. This variant is present in population databases (rs370807816, ExAC 0.01%). This variant has not been reported in the literature in individuals with HNRNPA2B1-related disease. Nucleotide substitutions within the consensus splice site are a relatively common cause of aberrant splicing (PMID: 17576681, 9536098). Algorithms developed to predict the effect of sequence changes on RNA splicing suggest that this variant is not likely to affect RNA splicing, but this prediction has not been confirmed by published transcriptional studies. In summary, the available evidence is currently insufficient to determine the role of this variant in disease. Therefore, it has been classified as a Variant of Uncertain Significance.

Dr. Peter K. Rogan Lab, Western University
No classification provided (evidence only). Condition: Melanoma. Review status: no classification provided. Collection method: in vitro. Allele origin: not applicable. Functional consequence: retained intron. Not counted in ClinVar's aggregate classification.

Literature cited by the submitters: PubMed 17576681 (cited by Labcorp Genetics (formerly Invitae), Labcorp); PubMed 9536098 (cited by Labcorp Genetics (formerly Invitae), Labcorp).